The following is an entry in ClinVar:

ClinVar aggregate classification (germline): Pathogenic (1 of 4 stars; one submission).

Submission:

GeneDx
Classification: Pathogenic. Last evaluated: 2022-07-12. Review status: criteria provided, single submitter. Criteria: GeneDx Variant Classification Process June 2021. Collection method: clinical testing. Allele origin: germline. Affected: yes.
Comment: Nonsense variant predicted to result in protein truncation as the last 145 amino acids are lost, although loss-of-function variants have not been reported downstream of this position in the protein; Not observed at significant frequency in large population cohorts (gnomAD); Has not been previously published as pathogenic or benign to our knowledge

NM_001200.4(BMP2):c.754C>T (p.Gln252Ter)

Gene: BMP2 (bone morphogenetic protein 2; plus strand). Cytogenetic location: 20p12.3.
Variant type: single nucleotide variant.
Coding change: c.754C>T on transcript NM_001200.4 (MANE Select); coding-DNA position 754, C replaced by T.
Protein change: p.Gln252Ter; replaces glutamine 252 with a stop codon.
Molecular consequence: nonsense.
Genome position (GRCh38, 1-based): chr20:6,778,652, C>T. VCF-style: chr20-6778652-C-T. GRCh37 (hg19) VCF-style: chr20-6759299-C-T.
Other names: short protein forms Q252*.
Identifiers: ClinVar variation 1697002 (VCV001697002.2), dbSNP rs2122390899, ClinGen allele CA408259038.